The following is an entry in ClinVar:

NM_152383.5(DIS3L2):c.274C>T (p.Arg92Ter)

Gene: DIS3L2 (DIS3 like 3'-5' exoribonuclease 2; plus strand). Cytogenetic location: 2q37.1.
Variant type: single nucleotide variant.
Coding change: c.274C>T on transcript NM_152383.5 (MANE Select); coding-DNA position 274, C replaced by T.
Protein change: p.Arg92Ter; replaces arginine 92 with a stop codon.
Molecular consequence: nonsense. On other transcripts: non-coding transcript variant (2).
Genome position (GRCh38, 1-based): chr2:232,029,988, C>T. VCF-style: chr2-232029988-C-T. GRCh37 (hg19) VCF-style: chr2-232894698-C-T.
Other names: c.274C>T, p.Arg92Ter (NM_001257281.2, NM_001257282.2); short protein forms R92*.
Identifiers: ClinVar variation 949712 (VCV000949712.7), dbSNP rs748001988, ClinGen allele CA2163784.

ClinVar aggregate classification (germline): Pathogenic (1 of 4 stars; one submission).

Conditions:
Perlman syndrome (PRLMNS). Identifiers: Orphanet 2849, MedGen C0796113, MONDO:0009965, OMIM 267000.

Allele frequency attached by ClinVar (database versions not stated): TOPMed below 0.00001; ExAC 0.00001; gnomAD 0.00001.

Submission:

Labcorp Genetics (formerly Invitae), Labcorp
Classification: Pathogenic for Perlman syndrome. Last evaluated: 2024-01-08. Review status: criteria provided, single submitter. Criteria: Invitae Variant Classification Sherloc (09022015). Collection method: clinical testing. Allele origin: germline.
Comment: This sequence change creates a premature translational stop signal (p.Arg92*) in the DIS3L2 gene. It is expected to result in an absent or disrupted protein product. Loss-of-function variants in DIS3L2 are known to be pathogenic (PMID: 22306653, 28328139). This variant is present in population databases (rs748001988, gnomAD 0.007%). This premature translational stop signal has been observed in individual(s) with rectal adenocarcinoma (PMID: 29625052). ClinVar contains an entry for this variant (Variation ID: 949712). For these reasons, this variant has been classified as Pathogenic.

Literature cited by the submitters: PubMed 22306653; PubMed 28328139; PubMed 29625052.